The following is an entry in ClinVar:

NM_024741.3(ZNF408):c.1345C>T (p.Arg449Trp)

Gene: ZNF408 (zinc finger protein 408; plus strand). Cytogenetic location: 11p11.2.
Variant type: single nucleotide variant.
Coding change: c.1345C>T on transcript NM_024741.3 (MANE Select); coding-DNA position 1345, C replaced by T.
Protein change: p.Arg449Trp; replaces arginine 449 with tryptophan.
Molecular consequence: missense variant.
Genome position (GRCh38, 1-based): chr11:46,705,045, C>T. VCF-style: chr11-46705045-C-T. GRCh37 (hg19) VCF-style: chr11-46726595-C-T.
Other names: c.1321C>T, p.Arg441Trp (NM_001184751.2); short protein forms R441W, R449W.
Identifiers: ClinVar variation 960263 (VCV000960263.10), dbSNP rs373245310, ClinGen allele CA5966547.

ClinVar aggregate classification (germline): Uncertain significance. Review status: criteria provided, multiple submitters, no conflicts (2 of 4 stars). 2 submissions from 2 submitters: Uncertain significance (2). Last evaluated 2025-11-10.

Allele frequency attached by ClinVar (database versions not stated): gnomAD 0.00001; TOPMed 0.00001; gnomAD exomes 0.00002; ExAC 0.00003; ESP Exome Variant Server 0.00008.
gnomAD v4.1: 24 of 1,613,016 alleles (0.0015%); highest among the groups gnomAD compares: Admixed American, 0.0033%; no homozygotes.

Submissions (2):

Labcorp Genetics (formerly Invitae), Labcorp
Classification: Uncertain significance. Last evaluated: 2025-11-10. Review status: criteria provided, single submitter. Criteria: Invitae Variant Classification Sherloc (09022015). Collection method: clinical testing. Allele origin: germline.
Comment: This sequence change replaces arginine, which is basic and polar, with tryptophan, which is neutral and slightly polar, at codon 449 of the ZNF408 protein (p.Arg449Trp). This variant is present in population databases (rs373245310, gnomAD 0.005%). This variant has not been reported in the literature in individuals affected with ZNF408-related conditions. ClinVar contains an entry for this variant (Variation ID: 960263). An algorithm developed to predict the effect of missense changes on protein structure and function outputs the following: PolyPhen-2: "Probably Damaging". The tryptophan amino acid residue is found in multiple mammalian species, which suggests that this missense change does not adversely affect protein function. In summary, the available evidence is currently insufficient to determine the role of this variant in disease. Therefore, it has been classified as a Variant of Uncertain Significance.

Blueprint Genetics
Classification: Uncertain significance. Last evaluated: 2022-07-20. Review status: criteria provided, single submitter. Criteria: ACMG Guidelines, 2015. Collection method: clinical testing. Allele origin: germline.